The following is an entry in ClinVar:

ClinVar aggregate classification (germline): Benign. Review status: criteria provided, multiple submitters, no conflicts (2 of 4 stars). 5 submissions from 5 submitters: Benign (5). Last evaluated 2026-02-01.

Conditions:
Short-rib thoracic dysplasia 6 with or without polydactyly (SRTD6). Also called: POLYDACTYLY WITH NEONATAL CHONDRODYSTROPHY, TYPE II; Majewski Syndrome; SHORT RIB-POLYDACTYLY SYNDROME, TYPE IIA; SHORT-RIB THORACIC DYSPLASIA 6 WITH POLYDACTYLY; SHORT-RIB THORACIC DYSPLASIA 6 WITHOUT POLYDACTYLY. Identifiers: MedGen C0024507, MONDO:0009894, OMIM 263520.

Allele frequency attached by ClinVar (database versions not stated): 1000 Genomes Project 0.01218; 1000 Genomes Project 30x 0.01359; gnomAD exomes 0.01485 and 0.02038; gnomAD 0.01559 and 0.01594; TOPMed 0.01628; ESP Exome Variant Server 0.01692; ExAC 0.01966.
gnomAD v4.1: 31,767 of 1,600,306 alleles (2%); highest among the groups gnomAD compares: Non-Finnish European, 2.3%; 391 homozygotes.

Submissions (5):

Labcorp Genetics (formerly Invitae), Labcorp
Classification: Benign for Short-rib thoracic dysplasia 6 with or without polydactyly. Last evaluated: 2026-02-01. Review status: criteria provided, single submitter. Criteria: Invitae Variant Classification Sherloc (09022015). Collection method: clinical testing. Allele origin: germline.

ARUP Laboratories, Molecular Genetics and Genomics, ARUP Laboratories
Classification: Benign. Last evaluated: 2024-11-21. Review status: criteria provided, single submitter. Criteria: ARUP Molecular Germline Variant Investigation Process 2024. Collection method: clinical testing. Allele origin: germline.

Illumina Laboratory Services, Illumina
Classification: Benign for Short-rib thoracic dysplasia 6 with or without polydactyly. Last evaluated: 2018-01-13. Review status: criteria provided, single submitter. Criteria: ICSL Variant Classification Criteria 13 December 2019. Collection method: clinical testing. Allele origin: germline.
Comment: This variant was observed in the ICSL laboratory as part of a predisposition screen in an ostensibly healthy population. It had not been previously curated by ICSL or reported in the Human Gene Mutation Database (HGMD: prior to June 1st, 2018), and was therefore a candidate for classification through an automated scoring system. Utilizing variant allele frequency, disease prevalence and penetrance estimates, and inheritance mode, an automated score was calculated to assess if this variant is too frequent to cause the disease. Based on the score and internal cut-off values, a variant classified as benign is not then subjected to further curation. The score for this variant resulted in a classification of benign for this disease.

GeneDx
Classification: Benign. Last evaluated: 2017-01-03. Review status: criteria provided, single submitter. Criteria: GeneDx Variant Classification (06012015). Collection method: clinical testing. Allele origin: germline. Affected: yes.
Comment: This variant is considered likely benign or benign based on one or more of the following criteria: it is a conservative change, it occurs at a poorly conserved position in the protein, it is predicted to be benign by multiple in silico algorithms, and/or has population frequency not consistent with disease.

Breakthrough Genomics
Classification: Benign. Review status: criteria provided, single submitter. Criteria: ACMG Guidelines, 2015. Collection method: not provided. Allele origin: germline. Inheritance: Autosomal recessive inheritance. Affected: yes.

NM_001199397.3(NEK1):c.2764+12T>A

Gene: NEK1 (NIMA related kinase 1; minus strand). Cytogenetic location: 4q33.
Variant type: single nucleotide variant.
Coding change: c.2764+12T>A on transcript NM_001199397.3 (MANE Select); 12 bases into the intron after coding-DNA position 2764, T replaced by A.
Molecular consequence: intron variant.
Genome position (GRCh38, 1-based): chr4:169,438,071, A>T on the plus strand (T>A on the coding strand, the complement: NEK1 is on the minus strand). VCF-style: chr4-169438071-A-T. GRCh37 (hg19) VCF-style: chr4-170359222-A-T.
Other names: c.2282-4406T>A (NM_001374421.1); c.2629+12T>A (NM_001374420.1); c.2473+12T>A (NM_001199399.3); c.2632+12T>A (NM_001199398.3); c.2680+12T>A (NM_001374419.1, NM_012224.4); c.2548+12T>A (NM_001199400.3); c.2764+12T>A (NM_001374418.1).
Identifiers: ClinVar variation 348101 (VCV000348101.26), dbSNP rs77658514, ClinGen allele CA3137344.